The following is an entry in ClinVar:

ClinVar aggregate classification (germline): Conflicting classifications of pathogenicity. Review status: criteria provided, conflicting classifications (1 of 4 stars). 7 submissions from 7 submitters: Uncertain significance (5); Likely benign (2). Last evaluated 2026-08-06.

Conditions:
TTN-related disorder. Also called: TTN-related condition; TTN-related disease; TTN-related disorders.
Cardiomyopathy (CMYO). Also called: Cardiomyopathies. Identifiers: Orphanet 167848, MedGen C0878544, MONDO:0004994, HP:0001638. Inheritance: Various modes of inheritance.

Allele frequency attached by ClinVar (database versions not stated): ExAC 0.00002; gnomAD exomes 0.00002 and 0.00005; gnomAD 0.00004 and 0.00005; TOPMed 0.00004.
gnomAD v4.1: 75 of 1,613,346 alleles (0.0046%); highest among the groups gnomAD compares: Non-Finnish European, 0.0057%; no homozygotes.

Submissions (7):

PreventionGenetics, part of Exact Sciences
Classification: Uncertain significance for TTN-related condition. Last evaluated: 2026-08-06. Review status: criteria provided, single submitter. Criteria: ACMG Guidelines, 2015. Collection method: clinical testing. Allele origin: germline.
Comment: The TTN c.78039A>C variant is predicted to result in the amino acid substitution p.Glu26013Asp. To our knowledge, this variant has not been reported in the literature. This variant is reported in 0.0065% of alleles in individuals of African descent in gnomAD. At this time, the clinical significance of this variant is uncertain due to the absence of conclusive functional and genetic evidence.

Mayo Clinic Laboratories, Mayo Clinic
Classification: Uncertain significance. Last evaluated: 2024-01-25. Review status: criteria provided, single submitter. Criteria: ACMG Guidelines, 2015. Collection method: clinical testing. Allele origin: germline. Observed: 1 variant allele.
Comment: BP4

Women's Health and Genetics/Laboratory Corporation of America, LabCorp
Classification: Uncertain significance. Last evaluated: 2023-12-27. Review status: criteria provided, single submitter. Criteria: LabCorp Variant Classification Summary - May 2015. Collection method: clinical testing. Allele origin: germline.
Comment: Variant summary: TTN c.70335A>C (p.Glu23445Asp) results in a conservative amino acid change located in the A-band region of the encoded protein sequence. Three of five in-silico tools predict a benign effect of the variant on protein function. The variant allele was found at a frequency of 4.6e-05 in 1613346 control chromosomes (i.e., 75 alleles, no homozygotes), predominantly at a frequency of 5.7e-05 within the Non-Finnish European subpopulation in the gnomAD v4.0.0 database. This frequency is not significantly higher than estimated for a pathogenic variant in TTN causing Cardiomyopathy (5.7e-05 vs 0.00063), allowing no conclusion about variant significance. To our knowledge, no occurrence of c.70335A>C in individuals affected with TTN-related disorders and no experimental evidence demonstrating its impact on protein function have been reported. Three submitters have reported clinical-significance assessments for this variant to ClinVar after 2014. Two submitters classified the variant as uncertain significance, and one submitter classified it as likely benign. Based on the evidence outlined above, the variant was classified as uncertain significance.

Blueprint Genetics
Classification: Likely benign. Last evaluated: 2022-08-01. Review status: criteria provided, single submitter. Criteria: ACMG Guidelines, 2015. Collection method: clinical testing. Allele origin: germline.

GeneDx
Classification: Likely benign. Last evaluated: 2020-06-30. Review status: criteria provided, single submitter. Criteria: GeneDx Variant Classification Process June 2021. Collection method: clinical testing. Allele origin: germline. Affected: yes.

CHEO Genetics Diagnostic Laboratory, Children's Hospital of Eastern Ontario
Classification: Uncertain significance for Cardiomyopathy. Last evaluated: 2019-09-26. Review status: criteria provided, single submitter. Criteria: ACMG Guidelines, 2015. Collection method: clinical testing. Allele origin: germline.

Eurofins Ntd Llc (ga)
Classification: Uncertain significance. Last evaluated: 2017-01-26. Review status: criteria provided, single submitter. Criteria: EGL Classification Definitions 2015. Collection method: clinical testing. Allele origin: germline. Observed: 1 variant allele, 1 heterozygote.

NM_001267550.2(TTN):c.78039A>C (p.Glu26013Asp)

Genes: TTN (titin; minus strand), TTN-AS1 (TTN antisense RNA 1; plus strand). Cytogenetic location: 2q31.2.
Variant type: single nucleotide variant.
Coding change: c.78039A>C on transcript NM_001267550.2 (MANE Select); coding-DNA position 78039, A replaced by C.
Protein change: p.Glu26013Asp; replaces glutamic acid 26013 with aspartic acid.
Molecular consequence: missense variant.
Genome position (GRCh38, 1-based): chr2:178,568,093, T>G on the plus strand (A>C on the coding strand, the complement: TTN is on the minus strand). VCF-style: chr2-178568093-T-G. GRCh37 (hg19) VCF-style: chr2-179432820-T-G.
Other names: p.Glu24372Asp; c.73116A>C, p.Glu24372Asp (NM_001256850.1); c.50844A>C, p.Glu16948Asp (NM_003319.4); c.70335A>C, p.Glu23445Asp (NM_133378.4); c.51219A>C, p.Glu17073Asp (NM_133432.3); c.51420A>C, p.Glu17140Asp (NM_133437.4); short protein forms E23445D, E26013D, E24372D, E16948D, E17073D, E17140D.
Identifiers: ClinVar variation 500104 (VCV000500104.14), dbSNP rs755117644, ClinGen allele CA1989672.